The following is an entry in ClinVar:

NM_005263.5(GFI1):c.929G>A (p.Arg310Gln)

Gene: GFI1 (growth factor independent 1 transcriptional repressor; minus strand). Cytogenetic location: 1p22.1.
Variant type: single nucleotide variant.
Coding change: c.929G>A on transcript NM_005263.5 (MANE Select); coding-DNA position 929, G replaced by A.
Protein change: p.Arg310Gln; replaces arginine 310 with glutamine.
Molecular consequence: missense variant.
Genome position (GRCh38, 1-based): chr1:92,478,749, C>T on the plus strand (G>A on the coding strand, the complement: GFI1 is on the minus strand). VCF-style: chr1-92478749-C-T. GRCh37 (hg19) VCF-style: chr1-92944306-C-T.
Other names: c.929G>A, p.Arg310Gln (NM_001127215.3, NM_001127216.3); short protein forms R310Q.
Identifiers: ClinVar variation 2247790 (VCV002247790.8), dbSNP rs774792393, ClinGen allele CA951267.
Genomic context (GRCh38, chr1:92,478,749, plus strand): 5'-TGTGTGGACAGTGTGGATGACCTCTTGAAGCTCTTCCCACAGATCTTACAGTCAAAGCTC[C>T]GTTCCTGCAGAGAGAGAGAGAGAGAGAGAGAGAGAGAGAGAGAGATGCAGAACTCCTACT-3'
Protein context (NP_005254.2, residues 300-320): EQHKAVHSQE[Arg310Gln]SFDCKICGKS

ClinVar aggregate classification (germline): Uncertain significance. Review status: criteria provided, multiple submitters, no conflicts (2 of 4 stars). 4 submissions from 4 submitters: Uncertain significance (3). 1 of the submissions does not count toward it. Last evaluated 2025-02-16.

Conditions:
Neutropenia, severe congenital, 2, autosomal dominant. Identifiers: Orphanet 486, MedGen C2751288, MONDO:0013139, OMIM 613107.

Allele frequency attached by ClinVar (database versions not stated): gnomAD 0.00002; gnomAD exomes 0.00002; ExAC 0.00003.
gnomAD v4.1: 21 of 1,285,404 alleles (0.0016%); highest among the groups gnomAD compares: African/African-American, 0.0037%; no homozygotes.

Submissions (4):

Laboratory of Genetics, Children's Clinical University Hospital Latvia
Classification: Uncertain significance. Last evaluated: 2025-02-16. Review status: criteria provided, single submitter. Criteria: ACMG Guidelines, 2015. Collection method: clinical testing. Allele origin: germline. Affected: yes.

Ambry Genetics
Classification: Uncertain significance. Last evaluated: 2024-11-21. Review status: criteria provided, single submitter. Criteria: Ambry Variant Classification Scheme 2023. Collection method: clinical testing. Allele origin: germline.
Comment: The p.R310Q variant (also known as c.929G>A), located in coding exon 5 of the GFI1 gene, results from a G to A substitution at nucleotide position 929. The arginine at codon 310 is replaced by glutamine, an amino acid with highly similar properties. This amino acid position is conserved. In addition, the in silico prediction for this alteration is inconclusive. Based on the available evidence, the clinical significance of this variant remains unclear.

Labcorp Genetics (formerly Invitae), Labcorp
Classification: Uncertain significance for Neutropenia, severe congenital, 2, autosomal dominant. Last evaluated: 2024-10-03. Review status: criteria provided, single submitter. Criteria: Invitae Variant Classification Sherloc (09022015). Collection method: clinical testing. Allele origin: germline.
Comment: This sequence change replaces arginine, which is basic and polar, with glutamine, which is neutral and polar, at codon 310 of the GFI1 protein (p.Arg310Gln). This variant is present in population databases (rs774792393, gnomAD 0.003%). This variant has not been reported in the literature in individuals affected with GFI1-related conditions. ClinVar contains an entry for this variant (Variation ID: 2247790). Invitae Evidence Modeling of protein sequence and biophysical properties (such as structural, functional, and spatial information, amino acid conservation, physicochemical variation, residue mobility, and thermodynamic stability) indicates that this missense variant is expected to disrupt GFI1 protein function with a positive predictive value of 80%. In summary, the available evidence is currently insufficient to determine the role of this variant in disease. Therefore, it has been classified as a Variant of Uncertain Significance.

Laboratory of Immunopathology and Genetics, Medical Laboratory of Pediatric Oncology and Hematology, Central Clinical Hospital of the Medical University of Lodz
Classification: Likely pathogenic for Neutropenia, severe congenital, 2, autosomal dominant. Last evaluated: 2024-12-01. Review status: no assertion criteria provided. Collection method: clinical testing. Allele origin: germline. Affected: yes. Observed: 2 variant alleles. Not counted in ClinVar's aggregate classification.